The following is an entry in ClinVar:

ClinVar aggregate classification (germline): Uncertain significance (1 of 4 stars; one submission).

Submission:

Women's Health and Genetics/Laboratory Corporation of America, LabCorp
Classification: Uncertain significance. Last evaluated: 2025-12-03. Review status: criteria provided, single submitter. Criteria: LabCorp Variant Classification Summary - May 2015. Collection method: clinical testing. Allele origin: germline.
Comment: Variant summary: NLRP12 c.2966A>G (p.Asn989Ser) results in a conservative amino acid change in the encoded protein sequence. Algorithms developed to predict the effect of missense changes on protein structure and function all suggest that this variant is likely to be tolerated. The variant was absent in 251402 control chromosomes. The available data on variant occurrences in the general population are insufficient to allow any conclusion about variant significance. To our knowledge, no occurrence of c.2966A>G in individuals affected with NLRP12-related conditions and no experimental evidence demonstrating its impact on protein function have been reported. No submitters have cited clinical-significance assessments for this variant to ClinVar. Based on the evidence outlined above, the variant was classified as uncertain significance.

NM_144687.4(NLRP12):c.2966A>G (p.Asn989Ser)

Gene: NLRP12 (NLR family pyrin domain containing 12; minus strand). Cytogenetic location: 19q13.42.
Variant type: single nucleotide variant.
Coding change: c.2966A>G on transcript NM_144687.4 (MANE Select); coding-DNA position 2966, A replaced by G.
Protein change: p.Asn989Ser; replaces asparagine 989 with serine.
Molecular consequence: missense variant.
Genome position (GRCh38, 1-based): chr19:53,795,991, T>C on the plus strand (A>G on the coding strand, the complement: NLRP12 is on the minus strand). VCF-style: chr19-53795991-T-C. GRCh37 (hg19) VCF-style: chr19-54299245-T-C.
Other names: c.2969A>G, p.Asn990Ser (NM_001277126.2); c.2795A>G, p.Asn932Ser (NM_001277129.1); short protein forms N932S, N989S, N990S.
Identifiers: ClinVar variation 4688607 (VCV004688607.1).